The following is an entry in ClinVar:

NM_001365276.2(TNXB):c.2096G>C (p.Arg699Pro)

Gene: TNXB (tenascin XB; minus strand). Cytogenetic location: 6p21.33.
Variant type: single nucleotide variant.
Coding change: c.2096G>C on transcript NM_001365276.2 (MANE Select); coding-DNA position 2096, G replaced by C.
Protein change: p.Arg699Pro; replaces arginine 699 with proline.
Molecular consequence: missense variant.
Genome position (GRCh38, 1-based): chr6:32,095,757, C>G on the plus strand (G>C on the coding strand, the complement: TNXB is on the minus strand). VCF-style: chr6-32095757-C-G. GRCh37 (hg19) VCF-style: chr6-32063534-C-G.
Other names: c.2096G>C, p.Arg699Pro (NM_019105.8); short protein forms R699P.
Identifiers: ClinVar variation 1785801 (VCV001785801.2), dbSNP rs959472503, ClinGen allele CA363473946.

ClinVar aggregate classification (germline): Uncertain significance (1 of 4 stars; one submission).

Conditions:
Cardiovascular phenotype. Identifiers: MedGen CN230736.

Submission:

Ambry Genetics
Classification: Uncertain significance for Cardiovascular phenotype. Last evaluated: 2020-10-05. Review status: criteria provided, single submitter. Criteria: Ambry Variant Classification Scheme 2023. Collection method: clinical testing. Allele origin: germline.
Comment: The p.R699P variant (also known as c.2096G>C), located in coding exon 2 of the TNXB gene, results from a G to C substitution at nucleotide position 2096. The arginine at codon 699 is replaced by proline, an amino acid with dissimilar properties. This amino acid position is well conserved in available vertebrate species. In addition, this alteration is predicted to be tolerated by in silico analysis. Since supporting evidence is limited at this time, the clinical significance of this alteration remains unclear.